The following is an entry in ClinVar:

ClinVar aggregate classification (germline): Uncertain significance. Review status: criteria provided, multiple submitters, no conflicts (2 of 4 stars). 2 submissions from 2 submitters: Uncertain significance (2). Last evaluated 2024-12-24.

Conditions:
Hereditary cancer-predisposing syndrome. Also called: Hereditary Cancer Syndrome; Tumor predisposition; Hereditary neoplastic syndrome; Neoplastic Syndromes, Hereditary. Identifiers: Orphanet 140162, MedGen C0027672, MeSH D009386, MONDO:0015356.
EGFR-related lung cancer (EGFR). Identifiers: MedGen CN130014.

Allele frequency attached by ClinVar (database versions not stated): TOPMed below 0.00001; gnomAD 0.00001; gnomAD exomes 0.00001; ExAC 0.00002.
gnomAD v4.1: 22 of 1,613,948 alleles (0.0014%); highest among the groups gnomAD compares: East Asian, 0.047%; no homozygotes.

Submissions (2):

Labcorp Genetics (formerly Invitae), Labcorp
Classification: Uncertain significance for EGFR-related lung cancer. Last evaluated: 2024-12-24. Review status: criteria provided, single submitter. Criteria: Invitae Variant Classification Sherloc (09022015). Collection method: clinical testing. Allele origin: germline.
Comment: This sequence change replaces tryptophan, which is neutral and slightly polar, with cysteine, which is neutral and slightly polar, at codon 1157 of the EGFR protein (p.Trp1157Cys). This variant is present in population databases (rs761608448, gnomAD 0.01%). This variant has not been reported in the literature in individuals affected with EGFR-related conditions. ClinVar contains an entry for this variant (Variation ID: 1053886). An algorithm developed to predict the effect of missense changes on protein structure and function (PolyPhen-2) suggests that this variant is likely to be disruptive. In summary, the available evidence is currently insufficient to determine the role of this variant in disease. Therefore, it has been classified as a Variant of Uncertain Significance.

Ambry Genetics
Classification: Uncertain significance for Hereditary cancer-predisposing syndrome. Last evaluated: 2024-12-17. Review status: criteria provided, single submitter. Criteria: Ambry Variant Classification Scheme 2023. Collection method: clinical testing. Allele origin: germline.
Comment: The p.W1157C variant (also known as c.3471G>C), located in coding exon 28 of the EGFR gene, results from a G to C substitution at nucleotide position 3471. The tryptophan at codon 1157 is replaced by cysteine, an amino acid with highly dissimilar properties. This amino acid position is well conserved in available vertebrate species. In addition, the in silico prediction for this alteration is inconclusive. Based on the available evidence, the clinical significance of this variant remains unclear.

NM_005228.5(EGFR):c.3471G>C (p.Trp1157Cys)

Gene: EGFR (epidermal growth factor receptor; plus strand). Cytogenetic location: 7p11.2.
Variant type: single nucleotide variant.
Coding change: c.3471G>C on transcript NM_005228.5 (MANE Select); coding-DNA position 3471, G replaced by C.
Protein change: p.Trp1157Cys; replaces tryptophan 1157 with cysteine.
Molecular consequence: missense variant.
Genome position (GRCh38, 1-based): chr7:55,205,455, G>C. VCF-style: chr7-55205455-G-C. GRCh37 (hg19) VCF-style: chr7-55273148-G-C.
Other names: c.3471G>C (NM_005228.3); c.3336G>C, p.Trp1112Cys (NM_001346899.2); c.3312G>C, p.Trp1104Cys (NM_001346900.2); c.2670G>C, p.Trp890Cys (NM_001346941.2); short protein forms W1104C, W1112C, W1157C, W890C.
Identifiers: ClinVar variation 1053886 (VCV001053886.10), dbSNP rs761608448, ClinGen allele CA4266408.